The following is an entry in ClinVar:

ClinVar aggregate classification (germline): Uncertain significance (1 of 4 stars; one submission).

Conditions:
Hereditary cancer-predisposing syndrome. Also called: Neoplastic Syndromes, Hereditary; Tumor predisposition; Hereditary Cancer Syndrome; Hereditary neoplastic syndrome. Identifiers: Orphanet 140162, MedGen C0027672, MeSH D009386, MONDO:0015356.

Submission:

Ambry Genetics
Classification: Uncertain significance for Hereditary cancer-predisposing syndrome. Last evaluated: 2024-12-02. Review status: criteria provided, single submitter. Criteria: Ambry Variant Classification Scheme 2023. Collection method: clinical testing. Allele origin: germline.
Comment: The p.S263F variant (also known as c.788C>T), located in coding exon 1 of the AXIN2 gene, results from a C to T substitution at nucleotide position 788. The serine at codon 263 is replaced by phenylalanine, an amino acid with highly dissimilar properties. This amino acid position is not well conserved in available vertebrate species. In addition, this alteration is predicted to be tolerated by in silico analysis. Since supporting evidence is limited at this time, the clinical significance of this alteration remains unclear.

NM_004655.4(AXIN2):c.788C>T (p.Ser263Phe)

Gene: AXIN2 (axin 2; minus strand). Cytogenetic location: 17q24.1.
Variant type: single nucleotide variant.
Coding change: c.788C>T on transcript NM_004655.4 (MANE Select); coding-DNA position 788, C replaced by T.
Protein change: p.Ser263Phe; replaces serine 263 with phenylalanine.
Molecular consequence: missense variant.
Genome position (GRCh38, 1-based): chr17:65,557,833, G>A on the plus strand (C>T on the coding strand, the complement: AXIN2 is on the minus strand). VCF-style: chr17-65557833-G-A. GRCh37 (hg19) VCF-style: chr17-63553951-G-A.
Other names: c.788C>T, p.Ser263Phe (NM_001363813.1); short protein forms S263F.
Identifiers: ClinVar variation 1761040 (VCV001761040.3), dbSNP rs377293563, ClinGen allele CA400680260.